The following is an entry in ClinVar:

ClinVar aggregate classification (germline): Pathogenic (1 of 4 stars; one submission).

Conditions:
Wilson disease (WND). Also called: Wilson's disease. Identifiers: Orphanet 905, MedGen C0019202, MONDO:0010200, OMIM 277900. Disease mechanism: loss of function.

Submission:

Labcorp Genetics (formerly Invitae), Labcorp
Classification: Pathogenic for Wilson disease. Last evaluated: 2023-11-25. Review status: criteria provided, single submitter. Criteria: Invitae Variant Classification Sherloc (09022015). Collection method: clinical testing. Allele origin: germline.
Comment: This sequence change creates a premature translational stop signal (p.Ser1413Cysfs*33) in the ATP7B gene. While this is not anticipated to result in nonsense mediated decay, it is expected to disrupt the last 53 amino acid(s) of the ATP7B protein. This variant is not present in population databases (gnomAD no frequency). This variant has not been reported in the literature in individuals affected with ATP7B-related conditions. This variant disrupts a region of the ATP7B protein in which other variant(s) (p.Arg1459Glyfs*2) have been determined to be pathogenic (PMID: 26799313). This suggests that this is a clinically significant region of the protein, and that variants that disrupt it are likely to be disease-causing. For these reasons, this variant has been classified as Pathogenic.

Literature cited by the submitters: PubMed 26799313.

NM_000053.4(ATP7B):c.4238_4245del (p.Ser1413fs)

Gene: ATP7B (ATPase copper transporting beta; minus strand). Cytogenetic location: 13q14.3.
Variant type: Deletion.
Coding change: c.4238_4245del on transcript NM_000053.4 (MANE Select); coding-DNA positions 4238 to 4245, 8 bases deleted (CCCCCAGG; older notation c.4238_4245delCCCCCAGG).
Protein change: p.Ser1413fs; shifts the reading frame from serine 1413.
Molecular consequence: frameshift variant.
Genome position (GRCh38, 1-based): chr13:51,934,909-51,934,916, CCTGGGGG deleted on the plus strand (CCCCCAGG on the coding strand, the reverse complement: ATP7B is on the minus strand). VCF-style (leftmost placement, unchanged base first): chr13-51934908-CCCTGGGGG-C. GRCh37 (hg19) VCF-style: chr13-52509044-CCCTGGGGG-C.
Other names: c.4238_4245del, p.Ser1413fs (NM_001406511.1, NM_001406512.1); c.4232_4239del, p.Ser1411fs (NM_001406513.1); c.4205_4212del, p.Ser1402fs (NM_001406514.1); c.4184_4191del, p.Ser1395fs (NM_001406515.1, NM_001406516.1); c.4142_4149del, p.Ser1381fs (NM_001406517.1, NM_001406518.1); c.4103_4110del, p.Ser1368fs (NM_001406519.1); c.4094_4101del, p.Ser1365fs (NM_001406520.1, NM_001406521.1, NM_001406522.1); c.4055_4062del, p.Ser1352fs (NM_001406523.1); and 21 more; short protein forms S1206fs, S1300fs, S1333fs, S1345fs, S1402fs, S1411fs, S1413fs, S983fs.
Identifiers: ClinVar variation 2698856 (VCV002698856.3), dbSNP rs2547541937, ClinGen allele CA2697551864.
Genomic context (GRCh38, chr13:51,934,908, plus strand): 5'-CGGACGTCAGGGAGGACAGCGACACCTGGCTGACATAGCTGACCTGGTCCCATGGTGTGG[CCCTGGGGG>C]AGTCCCGCCACCTGTCATCCATGCCTATGTGCACACTGACCTGGGATGCCGTCAGGGGCT-3'